The following is an entry in ClinVar:

NM_001374353.1(GLI2):c.3740A>G (p.Asn1247Ser)

Gene: GLI2 (GLI family zinc finger 2; plus strand). Cytogenetic location: 2q14.2.
Variant type: single nucleotide variant.
Coding change: c.3740A>G on transcript NM_001374353.1 (MANE Select); coding-DNA position 3740, A replaced by G.
Protein change: p.Asn1247Ser; replaces asparagine 1247 with serine.
Molecular consequence: missense variant.
Genome position (GRCh38, 1-based): chr2:120,989,705, A>G. VCF-style: chr2-120989705-A-G. GRCh37 (hg19) VCF-style: chr2-121747281-A-G.
Other names: c.3791A>G, p.Asn1264Ser (NM_001371271.1, NM_005270.5); c.3365A>G, p.Asn1122Ser (NM_001374354.1); short protein forms N1122S, N1247S, N1264S.
Identifiers: ClinVar variation 4083262 (VCV004083262.1).
Genomic context (GRCh38, chr2:120,989,705, plus strand): 5'-ATGCCTGCTATGGCCAAGTCCACCCCCAGCTGAGCCCCAGCACCATCAGTGGGGCCCTCA[A>G]CCAGTTCCCCCAATCCTGCAGCAACATGCCAGCCAAGCCAGGGCATCTGGGGCACCCTCA-3'
Protein context (NP_001361282.1, residues 1237-1257): LSPSTISGAL[Asn1247Ser]QFPQSCSNMP

ClinVar aggregate classification (germline): Uncertain significance (1 of 4 stars; one submission).

gnomAD v4.1: 2 of 1,613,230 alleles (0.00012%); highest among the groups gnomAD compares: Middle Eastern, 0.033%; no homozygotes.

Submission:

GeneDx
Classification: Uncertain significance. Last evaluated: 2025-03-13. Review status: criteria provided, single submitter. Criteria: GeneDx Variant Classification Process June 2021. Collection method: clinical testing. Allele origin: germline. Affected: yes.
Comment: Not observed at significant frequency in large population cohorts (gnomAD); In silico analysis indicates that this missense variant does not alter protein structure/function; Has not been previously published as pathogenic or benign to our knowledge